The following is an entry in ClinVar:

NM_000493.4(COL10A1):c.1015C>G (p.Pro339Ala)

Genes: COL10A1 (collagen type X alpha 1 chain; minus strand), NT5DC1 (5'-nucleotidase domain containing 1; plus strand). Cytogenetic location: 6q22.1.
Variant type: single nucleotide variant.
Coding change: c.1015C>G on transcript NM_000493.4 (MANE Select); coding-DNA position 1015, C replaced by G.
Protein change: p.Pro339Ala; replaces proline 339 with alanine.
Molecular consequence: missense variant. On other transcripts: intron variant (1).
Genome position (GRCh38, 1-based): chr6:116,121,101, G>C on the plus strand (C>G on the coding strand, the complement: COL10A1 is on the minus strand). VCF-style: chr6-116121101-G-C. GRCh37 (hg19) VCF-style: chr6-116442264-G-C.
Other names: c.1015C>G, p.Pro339Ala (NM_001424106.1, NM_001424107.1); c.529+3156G>C (NM_152729.3); short protein forms P339A.
Identifiers: ClinVar variation 1895544 (VCV001895544.5), dbSNP rs761027927, ClinGen allele CA365390831.

ClinVar aggregate classification (germline): Uncertain significance (1 of 4 stars; one submission).

gnomAD v4.1: 35 of 1,613,866 alleles (0.0022%); highest among the groups gnomAD compares: Non-Finnish European, 0.003%; no homozygotes.

Submission:

Labcorp Genetics (formerly Invitae), Labcorp
Classification: Uncertain significance. Last evaluated: 2025-04-08. Review status: criteria provided, single submitter. Criteria: Invitae Variant Classification Sherloc (09022015). Collection method: clinical testing. Allele origin: germline.
Comment: This sequence change replaces proline, which is neutral and non-polar, with alanine, which is neutral and non-polar, at codon 339 of the COL10A1 protein (p.Pro339Ala). This variant is not present in population databases (gnomAD no frequency). This variant has not been reported in the literature in individuals affected with COL10A1-related conditions. ClinVar contains an entry for this variant (Variation ID: 1895544). Invitae Evidence Modeling of protein sequence and biophysical properties (such as structural, functional, and spatial information, amino acid conservation, physicochemical variation, residue mobility, and thermodynamic stability) has been performed for this missense variant. However, the output from this modeling did not meet the statistical confidence thresholds required to predict the impact of this variant on COL10A1 protein function. In summary, the available evidence is currently insufficient to determine the role of this variant in disease. Therefore, it has been classified as a Variant of Uncertain Significance.